The following is an entry in ClinVar:

NM_020937.4(FANCM):c.1060C>T (p.Gln354Ter)

Gene: FANCM (FA complementation group M; plus strand). Cytogenetic location: 14q21.2.
Variant type: single nucleotide variant.
Coding change: c.1060C>T on transcript NM_020937.4 (MANE Select); coding-DNA position 1060, C replaced by T.
Protein change: p.Gln354Ter; replaces glutamine 354 with a stop codon.
Molecular consequence: nonsense.
Genome position (GRCh38, 1-based): chr14:45,153,929, C>T. VCF-style: chr14-45153929-C-T. GRCh37 (hg19) VCF-style: chr14-45623132-C-T.
Other names: c.982C>T, p.Gln328Ter (NM_001308133.2); c.1060C>T, p.Gln354Ter (NM_001308134.2); c.1060C>T (NM_020937.3, NM_020937.2); short protein forms Q354*, Q328*.
Identifiers: ClinVar variation 591179 (VCV000591179.9), dbSNP rs1156577591, ClinGen allele CA389590791.

ClinVar aggregate classification (germline): Pathogenic/Likely pathogenic. Review status: criteria provided, multiple submitters, no conflicts (2 of 4 stars). 4 submissions from 4 submitters: Pathogenic (1); Likely pathogenic (2). 1 of the submissions does not count toward it. Last evaluated 2024-07-17.

Conditions:
Fanconi anemia (FA). Also called: Fanconi's anemia. Identifiers: Orphanet 84, MedGen C0015625, MeSH D005199, MONDO:0019391.

Allele frequency attached by ClinVar (database versions not stated): gnomAD 0.00001; TOPMed 0.00001.

Submissions (4):

GeneDx
Classification: Likely pathogenic. Last evaluated: 2024-07-17. Review status: criteria provided, single submitter. Criteria: GeneDx Variant Classification Process June 2021. Collection method: clinical testing. Allele origin: germline. Affected: yes.
Comment: Nonsense variant predicted to result in protein truncation or nonsense mediated decay in a gene for which loss of function is a known mechanism of disease; Not observed at significant frequency in large population cohorts (gnomAD); Has not been previously published as pathogenic or benign to our knowledge

Quest Diagnostics Nichols Institute San Juan Capistrano
Classification: Likely pathogenic. Last evaluated: 2023-02-17. Review status: criteria provided, single submitter. Criteria: Quest Diagnostics criteria. Collection method: clinical testing. Allele origin: unknown.
Comment: This nonsense variant is predicted to cause the premature termination of FANCM protein synthesis. The variant has not been reported in the published literature. The frequency of this variant in the general population, 0.0000066 (1/152078 chromosomes), is consistent with pathogenicity. Based on the available information, this variant is classified as likely pathogenic.

Labcorp Genetics (formerly Invitae), Labcorp
Classification: Pathogenic for Fanconi anemia. Last evaluated: 2020-02-19. Review status: criteria provided, single submitter. Criteria: Invitae Variant Classification Sherloc (09022015). Collection method: clinical testing. Allele origin: germline.
Comment: This sequence change creates a premature translational stop signal (p.Gln354*) in the FANCM gene. It is expected to result in an absent or disrupted protein product. This variant is not present in population databases (ExAC no frequency). This variant has not been reported in the literature in individuals with FANCM-related conditions. ClinVar contains an entry for this variant (Variation ID: 591179). Loss-of-function variants in FANCM are known to be pathogenic (PMID: 29895858, 30075111). For these reasons, this variant has been classified as Pathogenic.

Gharavi Laboratory, Columbia University
Classification: Uncertain significance. Last evaluated: 2018-09-16. Review status: no assertion criteria provided. Criteria: ACMG Guidelines, 2015. Collection method: research. Allele origin: germline. Affected: yes. Not counted in ClinVar's aggregate classification.

Literature cited by the submitters: PubMed 29895858 (cited by Labcorp Genetics (formerly Invitae), Labcorp); PubMed 30075111 (cited by Labcorp Genetics (formerly Invitae), Labcorp).